The following is an entry in ClinVar:

NM_017739.4(POMGNT1):c.440G>A (p.Arg147His)

Genes: POMGNT1 (protein O-linked mannose N-acetylglucosaminyltransferase 1 (beta 1,2-); minus strand), TSPAN1 (tetraspanin 1; plus strand). Cytogenetic location: 1p34.1.
Variant type: single nucleotide variant.
Coding change: c.440G>A on transcript NM_017739.4 (MANE Select); coding-DNA position 440, G replaced by A.
Protein change: p.Arg147His; replaces arginine 147 with histidine.
Molecular consequence: missense variant.
Genome position (GRCh38, 1-based): chr1:46,195,905, C>T on the plus strand (G>A on the coding strand, the complement: POMGNT1 is on the minus strand). VCF-style: chr1-46195905-C-T. GRCh37 (hg19) VCF-style: chr1-46661577-C-T.
Other names: c.440G>A, p.Arg147His (NM_001243766.2, NM_001410783.1); c.374G>A, p.Arg125His (NM_001290129.3); c.11G>A, p.Arg4His (NM_001290130.2); short protein forms R147H, R125H, R4H.
Identifiers: ClinVar variation 436365 (VCV000436365.17), dbSNP rs776165339, ClinGen allele CA833723.
Genomic context (GRCh38, chr1:46,195,905, plus strand): 5'-ACCATGTTGAGGAATAGCACCATGGCCTCATCCTCATGAGGTGAGTACGTGTCAAACACA[C>T]GTTTTGCCATCACGTGGCCCTGGCAGGGGATATACTTCTGGTGAGTTGGTGTCATCAGCA-3'
Protein context (NP_060209.4, residues 137-157): NQATGHVMAK[Arg147His]VFDTYSPHED

ClinVar aggregate classification (germline): Uncertain significance. Review status: criteria provided, multiple submitters, no conflicts (2 of 4 stars). 10 submissions from 7 submitters: Uncertain significance (9). 1 of the submissions does not count toward it. Last evaluated 2025-08-22.

Conditions:
Muscular dystrophy-dystroglycanopathy (congenital with impaired intellectual development), type B, 3. Also called: Muscular dystrophy-dystroglycanopathy (congenital with intellectual disability), type B3; MUSCULAR DYSTROPHY, CONGENITAL, POMGNT1-RELATED. Identifiers: MedGen C3150412, MONDO:0013155, OMIM 613151.
Autosomal recessive limb-girdle muscular dystrophy type 2O. Also called: Limb-Girdle Muscular Dystrophy Type 3C; MUSCULAR DYSTROPHY-DYSTROGLYCANOPATHY (LIMB-GIRDLE), TYPE C, 3; MUSCULAR DYSTROPHY-DYSTROGLYCANOPATHY, LIMB-GIRDLE, POMGNT1-RELATED. Identifiers: Orphanet 206564, MedGen C3150417, MONDO:0013161, OMIM 613157.
Inborn genetic diseases. Identifiers: MedGen C0950123, MeSH D030342.
Muscular dystrophy-dystroglycanopathy (congenital with brain and eye anomalies), type A3. Also called: Muscular dystrophy-dystroglycanopathy (congenital with brain and eye anomalies), type A, 3; WALKER-WARBURG SYNDROME OR MUSCLE-EYE-BRAIN DISEASE, POMGNT1-RELATED; Congenital muscular dystrophy-dystroglycanopathy with brain and eye anomalies, type A3. Identifiers: MedGen C3151519, MONDO:0009667, OMIM 253280.
Muscle eye brain disease (MEB). Also called: Santavuori congenital muscular dystrophy. Identifiers: Orphanet 588, Orphanet 899, MedGen C0457133, MONDO:0018939.
Retinitis pigmentosa 76 (RP76). Identifiers: MedGen C4310704, MONDO:0014929, OMIM 617123.

Allele frequency attached by ClinVar (database versions not stated): gnomAD exomes 0.00002 and 0.00004; gnomAD 0.00003; TOPMed 0.00003; ExAC 0.00002.
gnomAD v4.1: 58 of 1,613,876 alleles (0.0036%); highest among the groups gnomAD compares: African/African-American, 0.0053%; no homozygotes.

Submissions (10):

Athena Diagnostics
Classification: Uncertain significance. Last evaluated: 2025-08-22. Review status: criteria provided, single submitter. Criteria: Athena Diagnostics Criteria. Collection method: clinical testing. Allele origin: unknown.
Comment: Available data are insufficient to determine the clinical significance of the variant at this time. The frequency of this variant in the general population is uninformative in assessment of its pathogenicity. Polyphen and MutationTaster predict this amino acid change may be damaging to the protein.

Ambry Genetics
Classification: Uncertain significance for Inborn genetic diseases. Last evaluated: 2025-05-20. Review status: criteria provided, single submitter. Criteria: Ambry Variant Classification Scheme 2023. Collection method: clinical testing. Allele origin: germline.

Labcorp Genetics (formerly Invitae), Labcorp
Classification: Uncertain significance for Autosomal recessive limb-girdle muscular dystrophy type 2O; Muscular dystrophy-dystroglycanopathy (congenital with impaired intellectual development), type B, 3. Last evaluated: 2022-07-14. Review status: criteria provided, single submitter. Criteria: Invitae Variant Classification Sherloc (09022015). Collection method: clinical testing. Allele origin: germline.
Comment: This sequence change replaces arginine, which is basic and polar, with histidine, which is basic and polar, at codon 147 of the POMGNT1 protein (p.Arg147His). This variant is present in population databases (rs776165339, gnomAD 0.007%). This variant has not been reported in the literature in individuals affected with POMGNT1-related conditions. ClinVar contains an entry for this variant (Variation ID: 436365). Advanced modeling of protein sequence and biophysical properties (such as structural, functional, and spatial information, amino acid conservation, physicochemical variation, residue mobility, and thermodynamic stability) performed at Invitae indicates that this missense variant is not expected to disrupt POMGNT1 protein function. In summary, the available evidence is currently insufficient to determine the role of this variant in disease. Therefore, it has been classified as a Variant of Uncertain Significance.

Genome-Nilou Lab
Classification: Uncertain significance for Muscular dystrophy-dystroglycanopathy (congenital with brain and eye anomalies), type A3. Last evaluated: 2021-07-22. Review status: criteria provided, single submitter. Criteria: ACMG Guidelines, 2015. Collection method: clinical testing. Allele origin: germline. Affected: no.

Genome-Nilou Lab
Classification: Uncertain significance for Muscular dystrophy-dystroglycanopathy (congenital with impaired intellectual development), type B, 3. Last evaluated: 2021-07-22. Review status: criteria provided, single submitter. Criteria: ACMG Guidelines, 2015. Collection method: clinical testing. Allele origin: germline. Affected: no.

Genome-Nilou Lab
Classification: Uncertain significance for Autosomal recessive limb-girdle muscular dystrophy type 2O. Last evaluated: 2021-07-22. Review status: criteria provided, single submitter. Criteria: ACMG Guidelines, 2015. Collection method: clinical testing. Allele origin: germline. Affected: no.

Genome-Nilou Lab
Classification: Uncertain significance for Retinitis pigmentosa 76. Last evaluated: 2021-07-22. Review status: criteria provided, single submitter. Criteria: ACMG Guidelines, 2015. Collection method: clinical testing. Allele origin: germline. Affected: no.

Genetic Services Laboratory, University of Chicago
Classification: Uncertain significance. Last evaluated: 2015-09-08. Review status: criteria provided, single submitter. Criteria: ACMG Guidelines, 2015. Collection method: clinical testing. Allele origin: germline. Affected: no.

Breakthrough Genomics
Classification: Uncertain significance. Review status: criteria provided, single submitter. Criteria: ACMG Guidelines, 2015. Collection method: not provided. Allele origin: germline. Inheritance: Autosomal recessive inheritance. Affected: yes.

Natera, Inc.
Classification: Uncertain significance for Muscle-eye-brain disease. Last evaluated: 2020-09-16. Review status: no assertion criteria provided. Collection method: clinical testing. Allele origin: germline. Not counted in ClinVar's aggregate classification.